The following is an entry in ClinVar:

ClinVar aggregate classification (germline): Uncertain significance (1 of 4 stars; one submission).

Conditions:
Leber congenital amaurosis 6 (LCA6). Identifiers: Orphanet 65, MedGen C1854260, MONDO:0013446, OMIM 613826.
Cone-rod dystrophy 13 (CORD13). Identifiers: Orphanet 1872, MedGen C2750720, MONDO:0011987, OMIM 608194.

Submission:

Labcorp Genetics (formerly Invitae), Labcorp
Classification: Uncertain significance for Leber congenital amaurosis 6; Cone-rod dystrophy 13. Last evaluated: 2022-08-05. Review status: criteria provided, single submitter. Criteria: Invitae Variant Classification Sherloc (09022015). Collection method: clinical testing. Allele origin: germline.
Comment: In summary, the available evidence is currently insufficient to determine the role of this variant in disease. Therefore, it has been classified as a Variant of Uncertain Significance. Variants that disrupt the consensus splice site are a relatively common cause of aberrant splicing (PMID: 17576681, 9536098). Algorithms developed to predict the effect of sequence changes on RNA splicing suggest that this variant is not likely to affect RNA splicing. This variant has not been reported in the literature in individuals affected with RPGRIP1-related conditions. This variant is not present in population databases (gnomAD no frequency). This sequence change falls in intron 19 of the RPGRIP1 gene. It does not directly change the encoded amino acid sequence of the RPGRIP1 protein. It affects a nucleotide within the consensus splice site.

Literature cited by the submitters: PubMed 17576681; PubMed 9536098.

NM_020366.4(RPGRIP1):c.3238+5T>C

Gene: RPGRIP1 (RPGR interacting protein 1; plus strand). Cytogenetic location: 14q11.2.
Variant type: single nucleotide variant.
Coding change: c.3238+5T>C on transcript NM_020366.4 (MANE Select); 5 bases into the intron after coding-DNA position 3238, T replaced by C.
Molecular consequence: intron variant.
Genome position (GRCh38, 1-based): chr14:21,330,392, T>C. VCF-style: chr14-21330392-T-C. GRCh37 (hg19) VCF-style: chr14-21798551-T-C.
Other names: c.2164+5T>C (NM_001377948.1); c.1324+5T>C (NM_001377949.1); c.1216+5T>C (NM_001377523.1); c.1213+5T>C (NM_001377950.1); c.718+5T>C (NM_001377951.1).
Identifiers: ClinVar variation 2132172 (VCV002132172.4), dbSNP rs1375504755, ClinGen allele CA2122466625.
Genomic context (GRCh38, chr14:21,330,392, plus strand): 5'-AATGACATTATCCCATTCAGCACTGAAACAGAAGGAACCTCTACATCCTGTAAATGGTAT[T>C]GTCTTTTAAAATCTATTTTTTTTCCTAGCACTTTGGGAGGCCGAGGTGGGCAGATCACGA-3'